The following is an entry in ClinVar:

ClinVar aggregate classification (germline): Uncertain significance. Review status: criteria provided, single submitter (1 of 4 stars). 2 submissions from 2 submitters: Uncertain significance (1). 1 of the submissions does not count toward it. Last evaluated 2023-12-10.

Conditions:
Abetalipoproteinaemia (ABL). Also called: MTP DEFICIENCY; Abetalipoproteinemia; Abetalipoproteinemia neuropathy; Apolipoprotein B deficiency; Congenital betalipoprotein deficiency syndrome. Identifiers: Orphanet 14, MedGen C0000744, MONDO:0008692, OMIM 200100, HP:0008181.

Allele frequency attached by ClinVar (database versions not stated): gnomAD exomes below 0.00001; TOPMed below 0.00001; ExAC 0.00001.
gnomAD v4.1: 3 of 1,613,866 alleles (0.00019%); highest among the groups gnomAD compares: Non-Finnish European, 0.00025%; no homozygotes.

Submissions (2):

Labcorp Genetics (formerly Invitae), Labcorp
Classification: Uncertain significance. Last evaluated: 2023-12-10. Review status: criteria provided, single submitter. Criteria: Invitae Variant Classification Sherloc (09022015). Collection method: clinical testing. Allele origin: germline.
Comment: This sequence change replaces glutamic acid, which is acidic and polar, with lysine, which is basic and polar, at codon 306 of the MTTP protein (p.Glu306Lys). This variant is present in population databases (rs750312584, gnomAD 0.003%). This variant has not been reported in the literature in individuals affected with MTTP-related conditions. Advanced modeling of protein sequence and biophysical properties (such as structural, functional, and spatial information, amino acid conservation, physicochemical variation, residue mobility, and thermodynamic stability) performed at Invitae indicates that this missense variant is not expected to disrupt MTTP protein function with a negative predictive value of 80%. In summary, the available evidence is currently insufficient to determine the role of this variant in disease. Therefore, it has been classified as a Variant of Uncertain Significance.

Natera, Inc.
Classification: Uncertain significance for Abetalipoproteinemia. Last evaluated: 2025-03-31. Review status: no assertion criteria provided. Collection method: clinical testing. Allele origin: germline. Not counted in ClinVar's aggregate classification.

NM_001386140.1(MTTP):c.916G>A (p.Glu306Lys)

Gene: MTTP (microsomal triglyceride transfer protein; plus strand). Cytogenetic location: 4q23.
Variant type: single nucleotide variant.
Coding change: c.916G>A on transcript NM_001386140.1 (MANE Select); coding-DNA position 916, G replaced by A.
Protein change: p.Glu306Lys; replaces glutamic acid 306 with lysine.
Molecular consequence: missense variant.
Genome position (GRCh38, 1-based): chr4:99,597,073, G>A. VCF-style: chr4-99597073-G-A. GRCh37 (hg19) VCF-style: chr4-100518230-G-A.
Other names: c.916G>A, p.Glu306Lys (NM_000253.4); c.667G>A, p.Glu223Lys (NM_001300785.2); c.916G>A (NM_000253.3); short protein forms E223K, E306K.
Identifiers: ClinVar variation 2740414 (VCV002740414.2), dbSNP rs750312584, ClinGen allele CA3021992.